The following is an entry in ClinVar:

NM_000350.3(ABCA4):c.4006G>C (p.Glu1336Gln)

Gene: ABCA4 (ATP binding cassette subfamily A member 4; minus strand). Cytogenetic location: 1p22.1.
Variant type: single nucleotide variant.
Coding change: c.4006G>C on transcript NM_000350.3 (MANE Select); coding-DNA position 4006, G replaced by C.
Protein change: p.Glu1336Gln; replaces glutamic acid 1336 with glutamine.
Molecular consequence: missense variant.
Genome position (GRCh38, 1-based): chr1:94,031,900, C>G on the plus strand (G>C on the coding strand, the complement: ABCA4 is on the minus strand). VCF-style: chr1-94031900-C-G. GRCh37 (hg19) VCF-style: chr1-94497456-C-G.
Other names: c.3784G>C, p.Glu1262Gln (NM_001425324.1); short protein forms E1262Q, E1336Q.
Identifiers: ClinVar variation 2764671 (VCV002764671.3), dbSNP rs760242485, ClinGen allele CA957748.

ClinVar aggregate classification (germline): Uncertain significance (1 of 4 stars; one submission).

Allele frequency attached by ClinVar (database versions not stated): gnomAD exomes below 0.00001; TOPMed below 0.00001; ExAC 0.00001; gnomAD 0.00001.
gnomAD v4.1: 4 of 1,614,036 alleles (0.00025%); highest among the groups gnomAD compares: African/African-American, 0.0053%; no homozygotes.

Submission:

Labcorp Genetics (formerly Invitae), Labcorp
Classification: Uncertain significance. Last evaluated: 2023-09-30. Review status: criteria provided, single submitter. Criteria: Invitae Variant Classification Sherloc (09022015). Collection method: clinical testing. Allele origin: germline.
Comment: In summary, the available evidence is currently insufficient to determine the role of this variant in disease. Therefore, it has been classified as a Variant of Uncertain Significance. Advanced modeling of protein sequence and biophysical properties (such as structural, functional, and spatial information, amino acid conservation, physicochemical variation, residue mobility, and thermodynamic stability) performed at Invitae indicates that this missense variant is not expected to disrupt ABCA4 protein function. This variant has not been reported in the literature in individuals affected with ABCA4-related conditions. This variant is present in population databases (rs760242485, gnomAD 0.007%). This sequence change replaces glutamic acid, which is acidic and polar, with glutamine, which is neutral and polar, at codon 1336 of the ABCA4 protein (p.Glu1336Gln).